The following is an entry in ClinVar:

NM_177438.3(DICER1):c.1193T>A (p.Val398Asp)

Gene: DICER1 (dicer 1, ribonuclease III; minus strand). Cytogenetic location: 14q32.13.
Variant type: single nucleotide variant.
Coding change: c.1193T>A on transcript NM_177438.3 (MANE Select); coding-DNA position 1193, T replaced by A.
Protein change: p.Val398Asp; replaces valine 398 with aspartic acid.
Molecular consequence: missense variant. On other transcripts: non-coding transcript variant (6), 5 prime UTR variant (1).
Genome position (GRCh38, 1-based): chr14:95,124,379, A>T on the plus strand (T>A on the coding strand, the complement: DICER1 is on the minus strand). VCF-style: chr14-95124379-A-T. GRCh37 (hg19) VCF-style: chr14-95590716-A-T.
Other names: c.1193T>A, p.Val398Asp (NM_001395699.1, NM_001395700.1, NM_030621.4 and 15 more transcripts); c.911T>A, p.Val304Asp (NM_001395686.1); c.788T>A, p.Val263Asp (NM_001395687.1, NM_001395688.1, NM_001395689.1 and 3 more transcripts); c.626T>A, p.Val209Asp (NM_001395691.1); c.-376T>A (NM_001395697.1); short protein forms V304D, V398D, V209D, V263D.
Identifiers: ClinVar variation 1745501 (VCV001745501.4), dbSNP rs2543177119, ClinGen allele CA390886752.
Genomic context (GRCh38, chr14:95,124,379, plus strand): 5'-TCATCCTCAGAATCACTCCATGACACATAATTATCCTGATTTCTATTATTATACCACTCA[A>T]CGCTTTCAAACTGCTGTCGCTCATATGGTTTATATTTGCGTAAGATTTCGAGCAGTTTGA-3'
Protein context (NP_803187.1, residues 388-408): KPYERQQFES[Val398Asp]EWYNNRNQDN

ClinVar aggregate classification (germline): Uncertain significance. Review status: criteria provided, multiple submitters, no conflicts (2 of 4 stars). 2 submissions from 2 submitters: Uncertain significance (2). Last evaluated 2024-03-21.

Conditions:
Hereditary cancer-predisposing syndrome. Also called: Neoplastic Syndromes, Hereditary; Tumor predisposition; Hereditary Cancer Syndrome; Hereditary neoplastic syndrome. Identifiers: Orphanet 140162, MedGen C0027672, MeSH D009386, MONDO:0015356.
DICER1-related tumor predisposition. Also called: DICER1 syndrome; DICER1-related pleuropulmonary blastoma cancer predisposition syndrome. Identifiers: Orphanet 284343, MedGen C3839822, MONDO:0100216.

Submissions (2):

Labcorp Genetics (formerly Invitae), Labcorp
Classification: Uncertain significance for DICER1-related tumor predisposition. Last evaluated: 2024-03-21. Review status: criteria provided, single submitter. Criteria: Invitae Variant Classification Sherloc (09022015). Collection method: clinical testing. Allele origin: germline.
Comment: This sequence change replaces valine, which is neutral and non-polar, with aspartic acid, which is acidic and polar, at codon 398 of the DICER1 protein (p.Val398Asp). This variant is not present in population databases (gnomAD no frequency). This variant has not been reported in the literature in individuals affected with DICER1-related conditions. ClinVar contains an entry for this variant (Variation ID: 1745501). Advanced modeling of protein sequence and biophysical properties (such as structural, functional, and spatial information, amino acid conservation, physicochemical variation, residue mobility, and thermodynamic stability) performed at Invitae indicates that this missense variant is not expected to disrupt DICER1 protein function with a negative predictive value of 80%. In summary, the available evidence is currently insufficient to determine the role of this variant in disease. Therefore, it has been classified as a Variant of Uncertain Significance.

Ambry Genetics
Classification: Uncertain significance for Hereditary cancer-predisposing syndrome. Last evaluated: 2020-12-04. Review status: criteria provided, single submitter. Criteria: Ambry Variant Classification Scheme 2023. Collection method: clinical testing. Allele origin: germline.
Comment: The p.V398D variant (also known as c.1193T>A), located in coding exon 7 of the DICER1 gene, results from a T to A substitution at nucleotide position 1193. The valine at codon 398 is replaced by aspartic acid, an amino acid with highly dissimilar properties. This amino acid position is highly conserved in available vertebrate species. In addition, this alteration is predicted to be tolerated by in silico analysis. Since supporting evidence is limited at this time, the clinical significance of this alteration remains unclear.